The following is an entry in ClinVar:

ClinVar aggregate classification (germline): Uncertain significance (1 of 4 stars; one submission).

Conditions:
Myoclonic dystonia 11 (DYT11). Also called: Myoclonic dystonia; Dystonia 11; Dystonia, alcohol responsive; Hereditary essential myoclonus; SGCE Myoclonus-Dystonia; Myoclonus-Dystonia. Identifiers: Orphanet 36899, MedGen C1834570, MONDO:0008044, OMIM 159900.

Submission:

Labcorp Genetics (formerly Invitae), Labcorp
Classification: Uncertain significance for Myoclonic dystonia 11. Last evaluated: 2025-02-11. Review status: criteria provided, single submitter. Criteria: Invitae Variant Classification Sherloc (09022015). Collection method: clinical testing. Allele origin: germline.
Comment: This sequence change falls in intron 3 of the SGCE gene. It does not directly change the encoded amino acid sequence of the SGCE protein. It affects a nucleotide within the consensus splice site. This variant is not present in population databases (gnomAD no frequency). This variant has not been reported in the literature in individuals affected with SGCE-related conditions. Variants that disrupt the consensus splice site are a relatively common cause of aberrant splicing (PMID: 17576681, 9536098). Algorithms developed to predict the effect of sequence changes on RNA splicing suggest that this variant is not likely to affect RNA splicing. In summary, the available evidence is currently insufficient to determine the role of this variant in disease. Therefore, it has been classified as a Variant of Uncertain Significance.

Literature cited by the submitters: PubMed 17576681; PubMed 9536098.

NM_003919.3(SGCE):c.390+3A>G

Genes: CASD1 (CAS1 domain sialic acid O acetyltransferase 1; plus strand), SGCE (sarcoglycan epsilon; minus strand). Cytogenetic location: 7q21.3.
Variant type: single nucleotide variant.
Coding change: c.390+3A>G on transcript NM_003919.3 (MANE Select); 3 bases into the intron after coding-DNA position 390, A replaced by G.
Molecular consequence: intron variant.
Genome position (GRCh38, 1-based): chr7:94,628,199, T>C on the plus strand (A>G on the coding strand, the complement: SGCE is on the minus strand). VCF-style: chr7-94628199-T-C. GRCh37 (hg19) VCF-style: chr7-94257511-T-C.
Other names: c.267+3A>G (NM_001362809.2, NM_001301139.2); c.390+3A>G (NM_001346717.2, NM_001099400.2, NM_001099401.2); c.498+3A>G (NM_001346715.2, NM_001346713.2); c.303+3A>G (NM_001362807.2, NM_001346719.2); c.117+3A>G (NM_001362808.2, NM_001346720.2).
Identifiers: ClinVar variation 4712833 (VCV004712833.1).